The following is an entry in ClinVar:

NM_000138.5(FBN1):c.1281C>G (p.Val427=)

Gene: FBN1 (fibrillin 1; minus strand). Cytogenetic location: 15q21.1.
Variant type: single nucleotide variant.
Coding change: c.1281C>G on transcript NM_000138.5 (MANE Select); coding-DNA position 1281, C replaced by G.
Protein change: p.Val427=; no amino-acid change (valine 427 retained).
Molecular consequence: synonymous variant.
Genome position (GRCh38, 1-based): chr15:48,516,229, G>C on the plus strand (C>G on the coding strand, the complement: FBN1 is on the minus strand). VCF-style: chr15-48516229-G-C. GRCh37 (hg19) VCF-style: chr15-48808426-G-C.
Identifiers: ClinVar variation 517748 (VCV000517748.4), dbSNP rs759949880, ClinGen allele CA044160.

ClinVar aggregate classification (germline): Likely benign. Review status: criteria provided, multiple submitters, no conflicts (2 of 4 stars). 2 submissions from 2 submitters: Likely benign (2). Last evaluated 2023-07-19.

Conditions:
Familial thoracic aortic aneurysm and aortic dissection (TAAD). Also called: Thoracic aortic aneurysms and dissections. Identifiers: Orphanet 91387, MedGen C4707243, MONDO:0019625.
Marfan syndrome (MFS). Also called: Marfan syndrome type 1; Marfan syndrome, classic; Marfan's syndrome; FBN1-Related Marfan Syndrome; MARFAN SYNDROME, TYPE I. Identifiers: Orphanet 284963, Orphanet 558, MedGen C0024796, MONDO:0007947, OMIM 154700.

Allele frequency attached by ClinVar (database versions not stated): ExAC 0.00001; gnomAD exomes below 0.00001.
gnomAD v4.1: 1 of 1,613,792 alleles (0.000062%); highest among the groups gnomAD compares: Admixed American, 0.0017%; no homozygotes.

Submissions (2):

Labcorp Genetics (formerly Invitae), Labcorp
Classification: Likely benign for Marfan syndrome; Familial thoracic aortic aneurysm and aortic dissection. Last evaluated: 2023-07-19. Review status: criteria provided, single submitter. Criteria: Invitae Variant Classification Sherloc (09022015). Collection method: clinical testing. Allele origin: germline.

GeneDx
Classification: Likely benign. Last evaluated: 2017-02-07. Review status: criteria provided, single submitter. Criteria: GeneDx Variant Classification (06012015). Collection method: clinical testing. Allele origin: germline. Affected: yes.
Comment: This variant is considered likely benign or benign based on one or more of the following criteria: it is a conservative change, it occurs at a poorly conserved position in the protein, it is predicted to be benign by multiple in silico algorithms, and/or has population frequency not consistent with disease.